The following is an entry in ClinVar:

NM_001376.5(DYNC1H1):c.11275C>T (p.Arg3759Cys)

Gene: DYNC1H1 (dynein cytoplasmic 1 heavy chain 1; plus strand). Cytogenetic location: 14q32.31.
Variant type: single nucleotide variant.
Coding change: c.11275C>T on transcript NM_001376.5 (MANE Select); coding-DNA position 11275, C replaced by T.
Protein change: p.Arg3759Cys; replaces arginine 3759 with cysteine.
Molecular consequence: missense variant.
Genome position (GRCh38, 1-based): chr14:102,039,069, C>T. VCF-style: chr14-102039069-C-T. GRCh37 (hg19) VCF-style: chr14-102505406-C-T.
Other names: short protein forms R3759C.
Identifiers: ClinVar variation 2571741 (VCV002571741.6), dbSNP rs1410110655, ClinGen allele CA391033187.

ClinVar aggregate classification (germline): Uncertain significance. Review status: criteria provided, multiple submitters, no conflicts (2 of 4 stars). 3 submissions from 3 submitters: Uncertain significance (3). Last evaluated 2024-08-07.

Conditions:
Charcot-Marie-Tooth disease axonal type 2O. Also called: Charcot-Marie-Tooth disease, axonal, type 20; CHARCOT-MARIE-TOOTH NEUROPATHY, AXONAL, TYPE 2O; CHARCOT-MARIE-TOOTH DISEASE, AXONAL, AUTOSOMAL DOMINANT, TYPE 2O; Charcot-Marie-Tooth Neuropathy Type 2O. Identifiers: Orphanet 284232, MedGen C3280220, MONDO:0013644, OMIM 614228.

Allele frequency attached by ClinVar (database versions not stated): TOPMed below 0.00001.

Submissions (3):

Labcorp Genetics (formerly Invitae), Labcorp
Classification: Uncertain significance for Charcot-Marie-Tooth disease axonal type 2O. Last evaluated: 2024-08-07. Review status: criteria provided, single submitter. Criteria: Invitae Variant Classification Sherloc (09022015). Collection method: clinical testing. Allele origin: germline.
Comment: This sequence change replaces arginine, which is basic and polar, with cysteine, which is neutral and slightly polar, at codon 3759 of the DYNC1H1 protein (p.Arg3759Cys). This variant is not present in population databases (gnomAD no frequency). This variant has not been reported in the literature in individuals affected with DYNC1H1-related conditions. ClinVar contains an entry for this variant (Variation ID: 2571741). Advanced modeling of protein sequence and biophysical properties (such as structural, functional, and spatial information, amino acid conservation, physicochemical variation, residue mobility, and thermodynamic stability) has been performed at Invitae for this missense variant, however the output from this modeling did not meet the statistical confidence thresholds required to predict the impact of this variant on DYNC1H1 protein function. In summary, the available evidence is currently insufficient to determine the role of this variant in disease. Therefore, it has been classified as a Variant of Uncertain Significance.

GeneDx
Classification: Uncertain significance. Last evaluated: 2024-04-24. Review status: criteria provided, single submitter. Criteria: GeneDx Variant Classification Process June 2021. Collection method: clinical testing. Allele origin: germline. Affected: yes.
Comment: Not observed at significant frequency in large population cohorts (gnomAD); In silico analysis supports that this missense variant has a deleterious effect on protein structure/function; Has not been previously published as pathogenic or benign to our knowledge; This variant is associated with the following publications: (PMID: 25512093, 25609763, 26100331)

Blueprint Genetics
Classification: Uncertain significance. Last evaluated: 2022-03-11. Review status: criteria provided, single submitter. Criteria: ACMG Guidelines, 2015. Collection method: clinical testing. Allele origin: germline.